The following is an entry in ClinVar:

NM_139076.3(ABRAXAS1):c.215G>A (p.Ser72Asn)

Gene: ABRAXAS1 (abraxas 1, BRCA1 A complex subunit; minus strand). Cytogenetic location: 4q21.23.
Variant type: single nucleotide variant.
Coding change: c.215G>A on transcript NM_139076.3 (MANE Select); coding-DNA position 215, G replaced by A.
Protein change: p.Ser72Asn; replaces serine 72 with asparagine.
Molecular consequence: missense variant. On other transcripts: 5 prime UTR variant (1).
Genome position (GRCh38, 1-based): chr4:83,476,643, C>T on the plus strand (G>A on the coding strand, the complement: ABRAXAS1 is on the minus strand). VCF-style: chr4-83476643-C-T. GRCh37 (hg19) VCF-style: chr4-84397796-C-T.
Other names: c.-46G>A (NM_001345962.2); short protein forms S72N.
Identifiers: ClinVar variation 1057972 (VCV001057972.9), dbSNP rs2110044834, ClinGen allele CA357261470.
Genomic context (GRCh38, chr4:83,476,643, plus strand): 5'-TTTCACTTGCAGAGAGTAATTTTCACAATGGATCATTTACTTACTAGCACTACTACTTAC[C>T]TAAAAAGCTGATAGCATGGAATATATTTCTGAATGTCTGGAAGAAAAGGATTTTTAGTTA-3'
Protein context (NP_620775.2, residues 62-82): QKYIPCYQLF[Ser72Asn]FYNSSGEVNE

ClinVar aggregate classification (germline): Uncertain significance (1 of 4 stars; one submission).

Submission:

Labcorp Genetics (formerly Invitae), Labcorp
Classification: Uncertain significance. Last evaluated: 2020-03-05. Review status: criteria provided, single submitter. Criteria: Invitae Variant Classification Sherloc (09022015). Collection method: clinical testing. Allele origin: germline.
Comment: In summary, the available evidence is currently insufficient to determine the role of this variant in disease. Therefore, it has been classified as a Variant of Uncertain Significance. Nucleotide substitutions within the consensus splice site are a relatively common cause of aberrant splicing (PMID: 17576681, 9536098). Algorithms developed to predict the effect of sequence changes on RNA splicing suggest that this variant may disrupt the consensus splice site, but this prediction has not been confirmed by published transcriptional studies. Algorithms developed to predict the effect of missense changes on protein structure and function are either unavailable or do not agree on the potential impact of this missense change (SIFT: "Tolerated"; PolyPhen-2: "Possibly Damaging"; Align-GVGD: "Class C0"). This variant has not been reported in the literature in individuals with ABRAXAS1-related conditions. This variant is not present in population databases (ExAC no frequency). This sequence change replaces serine with asparagine at codon 72 of the ABRAXAS1 protein (p.Ser72Asn). The serine residue is moderately conserved and there is a small physicochemical difference between serine and asparagine. This variant also falls at the last nucleotide of exon 3 of the ABRAXAS1 coding sequence, which is part of the consensus splice site for this exon.

Literature cited by the submitters: PubMed 17576681; PubMed 9536098.